The following is an entry in ClinVar:

NM_017780.4(CHD7):c.4033C>T (p.Arg1345Cys)

Gene: CHD7 (chromodomain helicase DNA binding protein 7; plus strand). Cytogenetic location: 8q12.2.
Variant type: single nucleotide variant.
Coding change: c.4033C>T on transcript NM_017780.4 (MANE Select); coding-DNA position 4033, C replaced by T.
Protein change: p.Arg1345Cys; replaces arginine 1345 with cysteine.
Molecular consequence: missense variant. On other transcripts: intron variant (1).
Genome position (GRCh38, 1-based): chr8:60,836,860, C>T. VCF-style: chr8-60836860-C-T. GRCh37 (hg19) VCF-style: chr8-61749419-C-T.
Other names: c.1717-25369C>T (NM_001316690.1); short protein forms R1345C.
Identifiers: ClinVar variation 569024 (VCV000569024.14), dbSNP rs1563644113, ClinGen allele CA371316656.

ClinVar aggregate classification (germline): Conflicting classifications of pathogenicity. Review status: criteria provided, conflicting classifications (1 of 4 stars). 3 submissions from 3 submitters: Likely pathogenic (2); Uncertain significance (1). Last evaluated 2026-04-25.

Conditions:
CHARGE syndrome (CHARGE). Also called: Hittner Hirsch Kreh syndrome; Coloboma, heart anomaly, choanal atresia, retardation, genital and ear anomalies; CHARGE association; Hall-Hittner syndrome; CHARGE ASSOCIATION--COLOBOMA, HEART ANOMALY, CHOANAL ATRESIA, RETARDATION, GENITAL AND EAR ANOMALIES. Identifiers: Orphanet 138, MedGen C0265354, MONDO:0008965.

Allele frequency attached by ClinVar (database versions not stated): gnomAD exomes below 0.00001.
gnomAD v4.1: 3 of 1,613,784 alleles (0.00019%); highest among the groups gnomAD compares: Non-Finnish European, 0.000085%; no homozygotes.

Submissions (3):

Dasa
Classification: Likely pathogenic for CHARGE syndrome. Last evaluated: 2026-04-25. Review status: criteria provided, single submitter. Criteria: DASA Assertion Criteria. Collection method: clinical testing. Allele origin: germline.
Comment: NM_017780.4(CHD7):c.4033C>T (p.Arg1345Cys) is a missense variant that results in the substitution of arginine with cysteine. The affected residue or protein region has prior evidence supporting clinical relevance. This variant has been recurrently observed in individuals with CHD7-related disorders (PMID: 38148819; PMID: 37745857). This variant has been reported as a de novo occurrence in an affected individual (PMID: 37745857). Also, this variant is rare in population databases. Computational evidence supports a deleterious effect. Based on the currently available evidence, this variant is classified as likely pathogenic.

Labcorp Genetics (formerly Invitae), Labcorp
Classification: Likely pathogenic for CHARGE syndrome. Last evaluated: 2025-10-29. Review status: criteria provided, single submitter. Criteria: Invitae Variant Classification Sherloc (09022015). Collection method: clinical testing. Allele origin: germline.
Comment: This sequence change replaces arginine, which is basic and polar, with cysteine, which is neutral and slightly polar, at codon 1345 of the CHD7 protein (p.Arg1345Cys). This variant is not present in population databases (gnomAD no frequency). This missense change has been observed in individual(s) with CHD7-related conditions (PMID: 21158681, 25077900, 28191889, 31130284, 34348883, 35778651). ClinVar contains an entry for this variant (Variation ID: 569024). Invitae Evidence Modeling of protein sequence and biophysical properties (such as structural, functional, and spatial information, amino acid conservation, physicochemical variation, residue mobility, and thermodynamic stability) indicates that this missense variant is expected to disrupt CHD7 protein function with a positive predictive value of 95%. This variant disrupts the p.Arg1345 amino acid residue in CHD7. Other variant(s) that disrupt this residue have been determined to be pathogenic (PMID: 22461308). This suggests that this residue is clinically significant, and that variants that disrupt this residue are likely to be disease-causing. In summary, the currently available evidence indicates that the variant is pathogenic, but additional data are needed to prove that conclusively. Therefore, this variant has been classified as Likely Pathogenic.

GeneDx
Classification: Uncertain significance. Last evaluated: 2024-04-09. Review status: criteria provided, single submitter. Criteria: GeneDx Variant Classification Process June 2021. Collection method: clinical testing. Allele origin: germline. Affected: yes.
Comment: Reported in a patient with CHARGE syndrome and classified as a variant of uncertain significance in published literature (PMID: 21158681); Not observed in large population cohorts (gnomAD); In silico analysis supports that this missense variant has a deleterious effect on protein structure/function; This variant is associated with the following publications: (PMID: 31130284, 28191889, 34348883, 37745857, 35778651, 21158681, 25077900)

Literature cited by the submitters: PubMed 38148819 (cited by Dasa); PubMed 37745857 (cited by Dasa); PubMed 21158681 (cited by Labcorp Genetics (formerly Invitae), Labcorp); PubMed 25077900 (cited by Labcorp Genetics (formerly Invitae), Labcorp); PubMed 28191889 (cited by Labcorp Genetics (formerly Invitae), Labcorp); PubMed 31130284 (cited by Labcorp Genetics (formerly Invitae), Labcorp); PubMed 34348883 (cited by Labcorp Genetics (formerly Invitae), Labcorp); PubMed 35778651 (cited by Labcorp Genetics (formerly Invitae), Labcorp); PubMed 22461308 (cited by Labcorp Genetics (formerly Invitae), Labcorp).